The following is an entry in ClinVar:

ClinVar aggregate classification (germline): Uncertain significance. Review status: criteria provided, multiple submitters, no conflicts (2 of 4 stars). 3 submissions from 3 submitters: Uncertain significance (3). Last evaluated 2023-12-06.

Conditions:
Brody myopathy. Also called: BRODY DISEASE. Identifiers: Orphanet 53347, MedGen C1832918, MONDO:0010977, OMIM 601003.

Allele frequency attached by ClinVar (database versions not stated): gnomAD exomes below 0.00001 and 0.00001.
gnomAD v4.1: 9 of 1,613,994 alleles (0.00056%); highest among the groups gnomAD compares: Non-Finnish European, 0.00076%; no homozygotes.

Submissions (3):

Blueprint Genetics
Classification: Uncertain significance. Last evaluated: 2023-12-06. Review status: criteria provided, single submitter. Criteria: ACMG Guidelines, 2015. Collection method: clinical testing. Allele origin: germline.

Revvity Omics, Revvity
Classification: Uncertain significance for Brody myopathy. Last evaluated: 2021-12-09. Review status: criteria provided, single submitter. Criteria: ACMG Guidelines, 2015. Collection method: clinical testing. Allele origin: germline.

Labcorp Genetics (formerly Invitae), Labcorp
Classification: Uncertain significance for Brody myopathy. Last evaluated: 2021-12-08. Review status: criteria provided, single submitter. Criteria: Invitae Variant Classification Sherloc (09022015). Collection method: clinical testing. Allele origin: germline.
Comment: In summary, the available evidence is currently insufficient to determine the role of this variant in disease. Therefore, it has been classified as a Variant of Uncertain Significance. Algorithms developed to predict the effect of missense changes on protein structure and function (SIFT, PolyPhen-2, Align-GVGD) all suggest that this variant is likely to be tolerated. This variant has not been reported in the literature in individuals affected with ATP2A1-related conditions. This variant is present in population databases (no rsID available, gnomAD 0.0009%). This sequence change replaces leucine, which is neutral and non-polar, with glutamine, which is neutral and polar, at codon 33 of the ATP2A1 protein (p.Leu33Gln).

NM_004320.6(ATP2A1):c.98T>A (p.Leu33Gln)

Gene: ATP2A1 (ATPase sarcoplasmic/endoplasmic reticulum Ca2+ transporting 1; plus strand). Cytogenetic location: 16p11.2.
Variant type: single nucleotide variant.
Coding change: c.98T>A on transcript NM_004320.6 (MANE Select); coding-DNA position 98, T replaced by A.
Protein change: p.Leu33Gln; replaces leucine 33 with glutamine.
Molecular consequence: missense variant.
Genome position (GRCh38, 1-based): chr16:28,878,769, T>A. VCF-style: chr16-28878769-T-A. GRCh37 (hg19) VCF-style: chr16-28890090-T-A.
Other names: c.98T>A (NM_173201.4); c.98T>A, p.Leu33Gln (NM_173201.5); short protein forms L33Q.
Identifiers: ClinVar variation 1432748 (VCV001432748.8), dbSNP rs1409431511, ClinGen allele CA395399581.